The following is an entry in ClinVar:

ClinVar aggregate classification (germline): Likely benign. Review status: criteria provided, multiple submitters, no conflicts (2 of 4 stars). 3 submissions from 3 submitters: Likely benign (3). Last evaluated 2026-09-01.

Conditions:
Inborn genetic diseases. Identifiers: MedGen C0950123, MeSH D030342.

Allele frequency attached by ClinVar (database versions not stated): gnomAD 0.00001; TOPMed 0.00001; gnomAD exomes 0.00002; ExAC 0.00003.

Submissions (3):

CeGaT Center for Human Genetics Tuebingen
Classification: Likely benign. Last evaluated: 2026-09-01. Review status: criteria provided, single submitter. Criteria: CeGaT Center For Human Genetics Tuebingen Variant Classification Criteria Version 2. Collection method: clinical testing. Allele origin: germline. Affected: yes. Observed: 1 variant allele.
Comment: AARS2: BP4, BP7

Labcorp Genetics (formerly Invitae), Labcorp
Classification: Likely benign. Last evaluated: 2025-07-30. Review status: criteria provided, single submitter. Criteria: Invitae Variant Classification Sherloc (09022015). Collection method: clinical testing. Allele origin: germline.

Ambry Genetics
Classification: Likely benign for Inborn genetic diseases. Last evaluated: 2025-01-22. Review status: criteria provided, single submitter. Criteria: Ambry Variant Classification Scheme 2023. Collection method: clinical testing. Allele origin: germline.

NM_020745.4(AARS2):c.1584C>T (p.Phe528=)

Gene: AARS2 (alanyl-tRNA synthetase 2, mitochondrial; minus strand). Cytogenetic location: 6p21.1.
Variant type: single nucleotide variant.
Coding change: c.1584C>T on transcript NM_020745.4 (MANE Select); coding-DNA position 1584, C replaced by T.
Protein change: p.Phe528=; no amino-acid change (phenylalanine 528 retained).
Molecular consequence: synonymous variant.
Genome position (GRCh38, 1-based): chr6:44,304,813, G>A on the plus strand (C>T on the coding strand, the complement: AARS2 is on the minus strand). VCF-style: chr6-44304813-G-A. GRCh37 (hg19) VCF-style: chr6-44272550-G-A.
Other names: c.1584C>T (NM_020745.2).
Identifiers: ClinVar variation 1639913 (VCV001639913.11), dbSNP rs781363059, ClinGen allele CA3834271.